The following is an entry in ClinVar:

ClinVar aggregate classification (germline): Pathogenic (1 of 4 stars; one submission).

Submission:

Labcorp Genetics (formerly Invitae), Labcorp
Classification: Pathogenic. Last evaluated: 2022-10-13. Review status: criteria provided, single submitter. Criteria: Invitae Variant Classification Sherloc (09022015). Collection method: clinical testing. Allele origin: germline.
Comment: This variant is a gross deletion of the genomic region encompassing exon(s) 1-4 of the CDHR1 gene, which includes the initiator codon. This deletion extends beyond the assayed region for this gene and therefore may encompass additional genes. It is expected to result in an absent or disrupted protein product. Loss-of-function variants in CDHR1 are known to be pathogenic (PMID: 23044944, 23591405, 26103963, 26261414). For these reasons, this variant has been classified as Pathogenic. This variant has not been reported in the literature in individuals affected with CDHR1-related conditions.

Literature cited by the submitters: PubMed 23044944; PubMed 23591405; PubMed 26103963; PubMed 26261414.

NC_000010.10:g.(?_85954517)_(85957612_?)del

Gene: CDHR1 (cadherin related family member 1; plus strand). Cytogenetic location: 10q23.1.
Variant type: Deletion.
Identifiers: ClinVar variation 2427118 (VCV002427118.2).